The following is an entry in ClinVar:

ClinVar aggregate classification (germline): Uncertain significance (1 of 4 stars; one submission).

Conditions:
Charcot-Marie-Tooth disease X-linked dominant 6. Also called: CHARCOT-MARIE-TOOTH NEUROPATHY, X-LINKED DOMINANT, 6. Identifiers: Orphanet 352675, MedGen C3806702, MONDO:0010479, OMIM 300905.

Submission:

Labcorp Genetics (formerly Invitae), Labcorp
Classification: Uncertain significance for Charcot-Marie-Tooth disease X-linked dominant 6. Last evaluated: 2024-03-02. Review status: criteria provided, single submitter. Criteria: Invitae Variant Classification Sherloc (09022015). Collection method: clinical testing. Allele origin: germline.
Comment: This sequence change replaces arginine, which is basic and polar, with glycine, which is neutral and non-polar, at codon 158 of the PDK3 protein (p.Arg158Gly). This variant is not present in population databases (gnomAD no frequency). This missense change has been observed in individual(s) with clinical features of PDK3-related condition (Invitae). Advanced modeling of protein sequence and biophysical properties (such as structural, functional, and spatial information, amino acid conservation, physicochemical variation, residue mobility, and thermodynamic stability) performed at Invitae indicates that this missense variant is expected to disrupt PDK3 protein function with a positive predictive value of 80%. This variant disrupts the p.Arg158 amino acid residue in PDK3. Other variant(s) that disrupt this residue have been determined to be pathogenic (PMID: 23297365, 26801680). This suggests that this residue is clinically significant, and that variants that disrupt this residue are likely to be disease-causing. In summary, the available evidence is currently insufficient to determine the role of this variant in disease. Therefore, it has been classified as a Variant of Uncertain Significance.

Literature cited by the submitters: PubMed 23297365; PubMed 26801680.

NM_005391.5(PDK3):c.472C>G (p.Arg158Gly)

Gene: PDK3 (pyruvate dehydrogenase kinase 3; plus strand). Cytogenetic location: Xp22.11.
Variant type: single nucleotide variant.
Coding change: c.472C>G on transcript NM_005391.5 (MANE Select); coding-DNA position 472, C replaced by G.
Protein change: p.Arg158Gly; replaces arginine 158 with glycine.
Molecular consequence: missense variant.
Genome position (GRCh38, 1-based): chrX:24,503,478, C>G. VCF-style: chrX-24503478-C-G. GRCh37 (hg19) VCF-style: chrX-24521595-C-G.
Other names: c.472C>G, p.Arg158Gly (NM_001142386.3); short protein forms R158G.
Identifiers: ClinVar variation 2839369 (VCV002839369.3), dbSNP rs753439893, ClinGen allele CA412605458.